The following is an entry in ClinVar:

NM_022124.6(CDH23):c.1449+43C>T

Gene: CDH23 (cadherin related 23; plus strand). Cytogenetic location: 10q22.1.
Variant type: single nucleotide variant.
Coding change: c.1449+43C>T on transcript NM_022124.6 (MANE Select); 43 bases into the intron after coding-DNA position 1449, C replaced by T.
Molecular consequence: intron variant. On other transcripts: missense variant (1).
Genome position (GRCh38, 1-based): chr10:71,646,660, C>T. VCF-style: chr10-71646660-C-T. GRCh37 (hg19) VCF-style: chr10-73406417-C-T.
Other names: c.1492C>T, p.Pro498Ser (NM_052836.4); c.1449+43C>T (NM_001171930.2, NM_001171931.2); short protein forms P498S.
Identifiers: ClinVar variation 505217 (VCV000505217.5), dbSNP rs550931640, ClinGen allele CA5543817.

ClinVar aggregate classification (germline): Conflicting classifications of pathogenicity. Review status: criteria provided, conflicting classifications (1 of 4 stars). 2 submissions from 2 submitters: Uncertain significance (1); Likely benign (1). Last evaluated 2022-01-07.

Allele frequency attached by ClinVar (database versions not stated): ExAC 0.00001; gnomAD exomes 0.00001 and 0.00002; gnomAD 0.00009 and 0.00011; 1000 Genomes Project 0.00020; 1000 Genomes Project 30x 0.00031; TOPMed 0.00031.
gnomAD v4.1: 29 of 1,614,002 alleles (0.0018%); highest among the groups gnomAD compares: Admixed American, 0.037%; no homozygotes.

Submissions (2):

Blueprint Genetics
Classification: Likely benign. Last evaluated: 2022-01-07. Review status: criteria provided, single submitter. Criteria: ACMG Guidelines, 2015. Collection method: clinical testing. Allele origin: germline.

Laboratory for Molecular Medicine, Mass General Brigham Personalized Medicine
Classification: Uncertain significance. Last evaluated: 2016-08-04. Review status: criteria provided, single submitter. Criteria: LMM Criteria. Collection method: clinical testing. Allele origin: germline. Observed: 1 variant allele.
Comment: The p.Pro498Ser variant in CDH23 has not been previously reported in individuals with hearing loss or Usher syndrome, but has been identified in 1/11572 Latino chromosomes by the Exome Aggregation Consortium (ExAC; dbSNP rs550931640). Although this variant has been seen in the general po pulation, its frequency is not high enough to rule out a pathogenic role. Comput ational prediction tools and conservation analyses suggest that this variant may not impact the protein, though this information is not predictive enough to rul e out pathogenicity. In summary, the clinical significance of the p.Pro498Ser va riant is uncertain.